The following is an entry in ClinVar:

ClinVar aggregate classification (germline): Uncertain significance (1 of 4 stars; one submission).

Conditions:
Fanconi anemia (FA). Also called: Fanconi's anemia. Identifiers: Orphanet 84, MedGen C0015625, MeSH D005199, MONDO:0019391.

Submission:

Labcorp Genetics (formerly Invitae), Labcorp
Classification: Uncertain significance for Fanconi anemia. Last evaluated: 2018-10-17. Review status: criteria provided, single submitter. Criteria: Invitae Variant Classification Sherloc (09022015). Collection method: clinical testing. Allele origin: germline.
Comment: In summary, the available evidence is currently insufficient to determine the role of this variant in disease. Therefore, it has been classified as a Variant of Uncertain Significance. Algorithms developed to predict the effect of missense changes on protein structure and function output the following: SIFT: "Tolerated"; PolyPhen-2: "Benign"; Align-GVGD: "Class C0". The leucine amino acid residue is found in multiple mammalian species, suggesting that this missense change does not adversely affect protein function. These predictions have not been confirmed by published functional studies and their clinical significance is uncertain. This variant has not been reported in the literature in individuals with FANCI-related disease. This variant is not present in population databases (ExAC no frequency). This sequence change replaces isoleucine with leucine at codon 1074 of the FANCI protein (p.Ile1074Leu). The isoleucine residue is moderately conserved and there is a small physicochemical difference between isoleucine and leucine.

NM_001113378.2(FANCI):c.3220A>T (p.Ile1074Leu)

Gene: FANCI (FA complementation group I; plus strand). Cytogenetic location: 15q26.1.
Variant type: single nucleotide variant.
Coding change: c.3220A>T on transcript NM_001113378.2 (MANE Select); coding-DNA position 3220, A replaced by T.
Protein change: p.Ile1074Leu; replaces isoleucine 1074 with leucine.
Molecular consequence: missense variant.
Genome position (GRCh38, 1-based): chr15:89,305,374, A>T. VCF-style: chr15-89305374-A-T. GRCh37 (hg19) VCF-style: chr15-89848605-A-T.
Other names: c.2941A>T, p.Ile981Leu (NM_001376910.1); c.3220A>T, p.Ile1074Leu (NM_001376911.1); c.3040A>T, p.Ile1014Leu (NM_018193.3); short protein forms I1074L, I1014L, I981L.
Identifiers: ClinVar variation 651465 (VCV000651465.8), dbSNP rs1450182027, ClinGen allele CA393739743.